The following is an entry in ClinVar:

ClinVar aggregate classification (germline): Uncertain significance (1 of 4 stars; one submission).

Conditions:
Early-infantile DEE. Also called: Early infantile epileptic encephalopathy with suppression bursts; Early infantile epileptic encephalopathy; Ohtahara syndrome. Identifiers: Orphanet 1934, MedGen C0393706, MONDO:0800491.

Submission:

Labcorp Genetics (formerly Invitae), Labcorp
Classification: Uncertain significance for Early-infantile DEE. Last evaluated: 2022-04-10. Review status: criteria provided, single submitter. Criteria: Invitae Variant Classification Sherloc (09022015). Collection method: clinical testing. Allele origin: germline.
Comment: This sequence change replaces serine, which is neutral and polar, with proline, which is neutral and non-polar, at codon 1882 of the SCN8A protein (p.Ser1882Pro). This variant is not present in population databases (gnomAD no frequency). This variant has not been reported in the literature in individuals affected with SCN8A-related conditions. Algorithms developed to predict the effect of missense changes on protein structure and function are either unavailable or do not agree on the potential impact of this missense change (SIFT: "Deleterious"; PolyPhen-2: "Benign"; Align-GVGD: "Class C0"). In summary, the available evidence is currently insufficient to determine the role of this variant in disease. Therefore, it has been classified as a Variant of Uncertain Significance.

NM_001330260.2(SCN8A):c.5644T>C (p.Ser1882Pro)

Gene: SCN8A (sodium voltage-gated channel alpha subunit 8; plus strand). Cytogenetic location: 12q13.13.
Variant type: single nucleotide variant.
Coding change: c.5644T>C on transcript NM_001330260.2 (MANE Select); coding-DNA position 5644, T replaced by C.
Protein change: p.Ser1882Pro; replaces serine 1882 with proline.
Molecular consequence: missense variant.
Genome position (GRCh38, 1-based): chr12:51,807,130, T>C. VCF-style: chr12-51807130-T-C. GRCh37 (hg19) VCF-style: chr12-52200914-T-C.
Other names: c.5521T>C, p.Ser1841Pro (NM_001177984.3, NM_001369788.1); c.5644T>C, p.Ser1882Pro (NM_014191.4); short protein forms S1882P, S1841P.
Identifiers: ClinVar variation 1391051 (VCV001391051.7), dbSNP rs2138944257, ClinGen allele CA384888285.